The following is an entry in ClinVar:

ClinVar aggregate classification (germline): Uncertain significance. Review status: criteria provided, multiple submitters, no conflicts (2 of 4 stars). 2 submissions from 2 submitters: Uncertain significance (2). Last evaluated 2024-11-19.

Allele frequency attached by ClinVar (database versions not stated): ExAC 0.00001; gnomAD exomes 0.00002; gnomAD 0.00003; TOPMed 0.00003; ESP Exome Variant Server 0.00008.
gnomAD v4.1: 27 of 1,612,886 alleles (0.0017%); highest among the groups gnomAD compares: African/African-American, 0.004%; no homozygotes.

Submissions (2):

Blueprint Genetics
Classification: Uncertain significance. Last evaluated: 2024-11-19. Review status: criteria provided, single submitter. Criteria: ACMG Guidelines, 2015. Collection method: clinical testing. Allele origin: germline.

Labcorp Genetics (formerly Invitae), Labcorp
Classification: Uncertain significance. Last evaluated: 2022-09-27. Review status: criteria provided, single submitter. Criteria: Invitae Variant Classification Sherloc (09022015). Collection method: clinical testing. Allele origin: germline.
Comment: This sequence change replaces arginine, which is basic and polar, with glutamine, which is neutral and polar, at codon 1861 of the MYO7A protein (p.Arg1861Gln). This variant is present in population databases (rs371483693, gnomAD 0.007%). This variant has not been reported in the literature in individuals affected with MYO7A-related conditions. Advanced modeling of protein sequence and biophysical properties (such as structural, functional, and spatial information, amino acid conservation, physicochemical variation, residue mobility, and thermodynamic stability) performed at Invitae indicates that this missense variant is not expected to disrupt MYO7A protein function. In summary, the available evidence is currently insufficient to determine the role of this variant in disease. Therefore, it has been classified as a Variant of Uncertain Significance.

NM_000260.4(MYO7A):c.5582G>A (p.Arg1861Gln)

Gene: MYO7A (myosin VIIA; plus strand). Cytogenetic location: 11q13.5.
Variant type: single nucleotide variant.
Coding change: c.5582G>A on transcript NM_000260.4 (MANE Select); coding-DNA position 5582, G replaced by A.
Protein change: p.Arg1861Gln; replaces arginine 1861 with glutamine.
Molecular consequence: missense variant.
Genome position (GRCh38, 1-based): chr11:77,205,563, G>A. VCF-style: chr11-77205563-G-A. GRCh37 (hg19) VCF-style: chr11-76916608-G-A.
Other names: c.5468G>A, p.Arg1823Gln (NM_001127180.2); c.5435G>A, p.Arg1812Gln (NM_001369365.1); short protein forms R1823Q, R1861Q, R1812Q.
Identifiers: ClinVar variation 2202154 (VCV002202154.2), dbSNP rs371483693, ClinGen allele CA6198750.
Genomic context (GRCh38, chr11:77,205,563, plus strand): 5'-CGGGCCTTTTCCCACCCAGCAACATCCTCCTGCCCCACGTGCAGCGCTTCCTGCAGTCCC[G>A]AAAGCACTGCCCACTCGCCATCGACTGCCTGCAACGGCTCCAGAAAGCCCTGAGGTACAG-3'
Protein context (NP_000251.3, residues 1851-1871): LPHVQRFLQS[Arg1861Gln]KHCPLAIDCL